The following is an entry in ClinVar:

NM_032776.3(JMJD1C):c.4843A>G (p.Arg1615Gly)

Gene: JMJD1C (jumonji domain containing 1C; minus strand). Cytogenetic location: 10q21.3.
Variant type: single nucleotide variant.
Coding change: c.4843A>G on transcript NM_032776.3 (MANE Select); coding-DNA position 4843, A replaced by G.
Protein change: p.Arg1615Gly; replaces arginine 1615 with glycine.
Molecular consequence: missense variant. On other transcripts: non-coding transcript variant (1).
Genome position (GRCh38, 1-based): chr10:63,206,826, T>C on the plus strand (A>G on the coding strand, the complement: JMJD1C is on the minus strand). VCF-style: chr10-63206826-T-C. GRCh37 (hg19) VCF-style: chr10-64966586-T-C.
Other names: c.4297A>G, p.Arg1433Gly (NM_001282948.2, NM_001318154.2); c.3979A>G, p.Arg1327Gly (NM_001318153.2); c.4729A>G, p.Arg1577Gly (NM_001322252.2); c.4186A>G, p.Arg1396Gly (NM_001322254.2, NM_001322258.2); short protein forms R1327G, R1433G, R1396G, R1577G, R1615G.
Identifiers: ClinVar variation 842914 (VCV000842914.9), dbSNP rs1846680996, ClinGen allele CA377036235.

ClinVar aggregate classification (germline): Uncertain significance (1 of 4 stars; one submission).

Conditions:
Early Myoclonic Encephalopathy. Identifiers: MedGen C0270855.

Submission:

Labcorp Genetics (formerly Invitae), Labcorp
Classification: Uncertain significance for Early Myoclonic Encephalopathy. Last evaluated: 2025-02-24. Review status: criteria provided, single submitter. Criteria: Invitae Variant Classification Sherloc (09022015). Collection method: clinical testing. Allele origin: germline.
Comment: This sequence change replaces arginine, which is basic and polar, with glycine, which is neutral and non-polar, at codon 1615 of the JMJD1C protein (p.Arg1615Gly). This variant is not present in population databases (gnomAD no frequency). This variant has not been reported in the literature in individuals affected with JMJD1C-related conditions. ClinVar contains an entry for this variant (Variation ID: 842914). Invitae Evidence Modeling of protein sequence and biophysical properties (such as structural, functional, and spatial information, amino acid conservation, physicochemical variation, residue mobility, and thermodynamic stability) indicates that this missense variant is expected to disrupt JMJD1C protein function with a positive predictive value of 80%. In summary, the available evidence is currently insufficient to determine the role of this variant in disease. Therefore, it has been classified as a Variant of Uncertain Significance.